The following is an entry in ClinVar:

NM_017999.5(RNF31):c.1505G>A (p.Gly502Asp)

Gene: RNF31 (ring finger protein 31; plus strand). Cytogenetic location: 14q12.
Variant type: single nucleotide variant.
Coding change: c.1505G>A on transcript NM_017999.5 (MANE Select); coding-DNA position 1505, G replaced by A.
Protein change: p.Gly502Asp; replaces glycine 502 with aspartic acid.
Molecular consequence: missense variant.
Genome position (GRCh38, 1-based): chr14:24,151,147, G>A. VCF-style: chr14-24151147-G-A. GRCh37 (hg19) VCF-style: chr14-24620356-G-A.
Other names: c.1052G>A, p.Gly351Asp (NM_001310332.2); short protein forms G351D, G502D.
Identifiers: ClinVar variation 2782594 (VCV002782594.3), dbSNP rs1170679279, ClinGen allele CA389296507.
Genomic context (GRCh38, chr14:24,151,147, plus strand): 5'-GTGGGTGAAGGGTGCCCCTCCTGATGGGCGGGACTGTGCCTTAGGAAGGGGAAGCCGCAG[G>A]TGCCTGTCCAGAGGAGATCTTCTCGGCTCTGCAGTACTCGGGCACTGAGGTGCCTCTGCA-3'
Protein context (NP_060469.4, residues 492-512): VSMIREGEAA[Gly502Asp]ACPEEIFSAL

ClinVar aggregate classification (germline): Uncertain significance (1 of 4 stars; one submission).

Allele frequency attached by ClinVar (database versions not stated): gnomAD exomes below 0.00001; TOPMed 0.00001.
gnomAD v4.1: 2 of 1,614,024 alleles (0.00012%); highest among the groups gnomAD compares: Non-Finnish European, 0.00017%; no homozygotes.

Submission:

Labcorp Genetics (formerly Invitae), Labcorp
Classification: Uncertain significance. Last evaluated: 2026-01-04. Review status: criteria provided, single submitter. Criteria: Invitae Variant Classification Sherloc (09022015). Collection method: clinical testing. Allele origin: germline.
Comment: This sequence change replaces glycine, which is neutral and non-polar, with aspartic acid, which is acidic and polar, at codon 502 of the RNF31 protein (p.Gly502Asp). This variant is not present in population databases (gnomAD no frequency). This variant has not been reported in the literature in individuals affected with RNF31-related conditions. ClinVar contains an entry for this variant (Variation ID: 2782594). An algorithm developed to predict the effect of missense changes on protein structure and function (PolyPhen-2) suggests that this variant is likely to be disruptive. In summary, the available evidence is currently insufficient to determine the role of this variant in disease. Therefore, it has been classified as a Variant of Uncertain Significance.